The following is an entry in ClinVar:

NM_020821.3(VPS13C):c.1731G>A (p.Ala577=)

Gene: VPS13C (vacuolar protein sorting 13 homolog C; minus strand). Cytogenetic location: 15q22.2.
Variant type: single nucleotide variant.
Coding change: c.1731G>A on transcript NM_020821.3 (MANE Select); coding-DNA position 1731, G replaced by A.
Protein change: p.Ala577=; no amino-acid change (alanine 577 retained).
Molecular consequence: synonymous variant.
Genome position (GRCh38, 1-based): chr15:61,984,003, C>T on the plus strand (G>A on the coding strand, the complement: VPS13C is on the minus strand). VCF-style: chr15-61984003-C-T. GRCh37 (hg19) VCF-style: chr15-62276202-C-T.
Other names: c.1731G>A, p.Ala577= (NM_001018088.3); c.1602G>A, p.Ala534= (NM_017684.5, NM_018080.4).
Identifiers: ClinVar variation 1625161 (VCV001625161.10), dbSNP rs148232124, ClinGen allele CA7596939.
Genomic context (GRCh38, chr15:61,984,003, plus strand): 5'-CACAAGTGATGGCACAATATCCTGCTGTCTCAAACCTGTTATATACCAGTGTTCTAATTT[C>T]GCTTCTACCCTATAATCCAATGAAGAACAAGGAAAGATGCAGACAAGGTCTTTTGTAATC-3'
Protein context (NP_065872.1, residues 567-587): RPGAQALKVE[Ala577=]KLEHWYITGL

ClinVar aggregate classification (germline): Benign/Likely benign. Review status: criteria provided, multiple submitters, no conflicts (2 of 4 stars). 2 submissions from 2 submitters: Benign (1); Likely benign (1). Last evaluated 2026-04-01.

Allele frequency attached by ClinVar (database versions not stated): ESP Exome Variant Server 0.00015; ExAC 0.00121; gnomAD exomes 0.00136.
gnomAD v4.1: 1,155 of 1,612,570 alleles (0.072%); highest among the groups gnomAD compares: Non-Finnish European, 0.029%; 8 homozygotes.

Submissions (2):

CeGaT Center for Human Genetics Tuebingen
Classification: Likely benign. Last evaluated: 2026-04-01. Review status: criteria provided, single submitter. Criteria: CeGaT Center For Human Genetics Tuebingen Variant Classification Criteria Version 2. Collection method: clinical testing. Allele origin: germline. Affected: yes. Observed: 1 variant allele.
Comment: VPS13C: BP4, BS1

Labcorp Genetics (formerly Invitae), Labcorp
Classification: Benign. Last evaluated: 2022-09-15. Review status: criteria provided, single submitter. Criteria: Invitae Variant Classification Sherloc (09022015). Collection method: clinical testing. Allele origin: germline.